The following is an entry in ClinVar:

NM_025114.4(CEP290):c.6072C>A (p.Tyr2024Ter)

Gene: CEP290 (centrosomal protein 290; minus strand). Cytogenetic location: 12q21.32.
Variant type: single nucleotide variant.
Coding change: c.6072C>A on transcript NM_025114.4 (MANE Select); coding-DNA position 6072, C replaced by A.
Protein change: p.Tyr2024Ter; replaces tyrosine 2024 with a stop codon.
Molecular consequence: nonsense.
Genome position (GRCh38, 1-based): chr12:88,068,585, G>T on the plus strand (C>A on the coding strand, the complement: CEP290 is on the minus strand). VCF-style: chr12-88068585-G-T. GRCh37 (hg19) VCF-style: chr12-88462362-G-T.
Other names: NM_025114.4(CEP290):c.6072C>A; p.Tyr2024Ter; short protein forms Y2024*.
Identifiers: ClinVar variation 217640 (VCV000217640.2), dbSNP rs779262951, ClinGen allele CA277694.

ClinVar aggregate classification (germline): Pathogenic. Review status: reviewed by expert panel (3 of 4 stars). 2 submissions from 2 submitters: Pathogenic (1). 1 of the submissions does not count toward it. Last evaluated 2026-07-20.

Conditions:
CEP290-related ciliopathy. Also called: CEP290 ciliopathy. Identifiers: MedGen CN305601, MONDO:0100451.
Joubert syndrome 5 (JBTS5). Identifiers: Orphanet 2318, MedGen C1857780, MONDO:0012432, OMIM 610188.

Submissions (2):

ClinGen Leber Congenital Amaurosis/early Onset Retinal Dystrophy Variant Curation Expert Panel, ClinGen
Classification: Pathogenic for CEP290-related ciliopathy. Last evaluated: 2026-07-20. Review status: reviewed by expert panel. Criteria: ClinGen LCAeoRD ACMG Specifications CEP290 V1.0.0. Collection method: curation. Allele origin: germline. Inheritance: Autosomal recessive inheritance.
Comment: NM_025114.4(CEP290):c.6072C>A (p.Tyr2024Ter) is a nonsense variant that introduces a premature stop codon into exon 44 and is predicted to lead to nonsense-mediated decay in a gene in which loss-of-function is an established mechanism of disease (PVS1). This variant is absent from gnomAD v4.1.1 (PM2_Supporting). This variant has been reported in at least 1 proband with early-onset severe retinal dystrophy who was compound heterozygous with the NM_025114.4(CEP290):c.164_167del (p.Thr55fs) variant suspected in trans, which was previously classified pathogenic by the ClinGen LCA/eoRD VCEP (0.5 total points, PMID: 23559409, PM3_Supporting). This variant has been reported in a second proband with Joubert Syndrome who was compound heterozygous with the p.Asn781= variant suspected in trans (PMID: 26092869) which has not been classified to avoid circularity. In summary, this variant meets the criteria to be classified as Pathogenic for CEP290-related ciliopathy based on the ACMG/AMP criteria applied, as specified by the ClinGen LCA/eoRD VCEP: PVS1, PM2_Supporting, and PM3_Supporting. (LCA/eoRD VCEP Specifications for CEP290 Version 1.0.0)

UW Hindbrain Malformation Research Program, University of Washington
Classification: Pathogenic for Joubert syndrome 5. Last evaluated: 2015-02-23. Review status: criteria provided, single submitter. Criteria: Bachmann-Gagescu et al. (J Med Genet. 2015). Collection method: research. Allele origin: unknown. Affected: yes. Not counted in ClinVar's aggregate classification.